The following is an entry in ClinVar:

NM_001378454.1(ALMS1):c.10269GAA[1] (p.Lys3424del)

Gene: ALMS1 (ALMS1 centrosome and basal body associated protein; plus strand). Cytogenetic location: 2p13.1.
Variant type: Microsatellite.
Coding change: c.10269GAA[1] on transcript NM_001378454.1 (MANE Select); one copy of the 3-base unit GAA starting at c.10269; the reference has two copies in a row; one copy, 3 bases deleted.
Protein change: p.Lys3424del; deletes lysine 3424.
Molecular consequence: inframe deletion.
Genome position (GRCh38, 1-based): chr2:73,559,030-73,559,032, GAA deleted; deleting any 3 consecutive bases within chr2:73,559,027-73,559,032 gives the same sequence; the position shown is the placement nearest the transcript's 3' end. VCF-style (leftmost placement, unchanged base first): chr2-73559026-TGAA-T. GRCh37 (hg19) VCF-style: chr2-73786153-TGAA-T.
Other names: c.10272GAA[1], p.Lys3425del (NM_015120.4); c.10275_10277delGAA (NM_015120.4); c.10275_10277del (NM_015120.4); short protein forms K3425del, K3424del.
Identifiers: ClinVar variation 550778 (VCV000550778.14), dbSNP rs1184260245, ClinGen allele CA534123638.

ClinVar aggregate classification (germline): Uncertain significance. Review status: criteria provided, multiple submitters, no conflicts (2 of 4 stars). 5 submissions from 5 submitters: Uncertain significance (3). 2 of the submissions do not count toward it. Last evaluated 2025-04-17.

Conditions:
Cardiovascular phenotype. Identifiers: MedGen CN230736.
Alstrom syndrome (ALMS). Identifiers: Orphanet 64, MedGen C0268425, MONDO:0008763, OMIM 203800.

Submissions (5):

Ambry Genetics
Classification: Uncertain significance for Cardiovascular phenotype. Last evaluated: 2025-04-17. Review status: criteria provided, single submitter. Criteria: Ambry Variant Classification Scheme 2023. Collection method: clinical testing. Allele origin: germline.
Comment: The c.10275_10277delGAA variant (also known as p.K3425del), located in coding exon 15 of the ALMS1 gene, results from an in-frame GAA deletion at nucleotide positions 10275 to 10277. This results in the in-frame deletion of a lysine at codon 3425. This amino acid position is poorly conserved in available vertebrate species. In addition, this alteration is predicted to be inconclusive by in silico analysis (Choi Y et al. PLoS ONE. 2012; 7(10):e46688). Since supporting evidence is limited at this time, the clinical significance of this alteration remains unclear.

Labcorp Genetics (formerly Invitae), Labcorp
Classification: Uncertain significance for Alstrom syndrome. Last evaluated: 2022-04-28. Review status: criteria provided, single submitter. Criteria: Invitae Variant Classification Sherloc (09022015). Collection method: clinical testing. Allele origin: germline.
Comment: This variant, c.10275_10277del, results in the deletion of 1 amino acid(s) of the ALMS1 protein (p.Lys3425del), but otherwise preserves the integrity of the reading frame. This variant is present in population databases (no rsID available, gnomAD 0.007%). This variant has not been reported in the literature in individuals affected with ALMS1-related conditions. ClinVar contains an entry for this variant (Variation ID: 550778). Experimental studies and prediction algorithms are not available or were not evaluated, and the functional significance of this variant is currently unknown. In summary, the available evidence is currently insufficient to determine the role of this variant in disease. Therefore, it has been classified as a Variant of Uncertain Significance.

Fulgent Genetics
Classification: Uncertain significance for Alstrom syndrome. Last evaluated: 2021-10-28. Review status: criteria provided, single submitter. Criteria: ACMG Guidelines, 2015. Collection method: clinical testing. Allele origin: unknown.

Natera, Inc.
Classification: Uncertain significance for Alstrom syndrome. Last evaluated: 2021-05-20. Review status: no assertion criteria provided. Collection method: clinical testing. Allele origin: germline. Not counted in ClinVar's aggregate classification.

Counsyl
Classification: Uncertain significance for Alstrom syndrome. Last evaluated: 2017-02-21. Review status: no assertion criteria provided. Collection method: clinical testing. Allele origin: unknown. Not counted in ClinVar's aggregate classification.